The following is an entry in ClinVar:

NM_004637.6(RAB7A):c.602C>T (p.Ser201Leu)

Genes: RAB7A (RAB7A, member RAS oncogene family; plus strand), LOC112872299 (Sharpr-MPRA regulatory region 6458; plus strand). Cytogenetic location: 3q21.3.
Variant type: single nucleotide variant.
Coding change: c.602C>T on transcript NM_004637.6 (MANE Select); coding-DNA position 602, C replaced by T.
Protein change: p.Ser201Leu; replaces serine 201 with leucine.
Molecular consequence: missense variant.
Genome position (GRCh38, 1-based): chr3:128,813,400, C>T. VCF-style: chr3-128813400-C-T. GRCh37 (hg19) VCF-style: chr3-128532243-C-T.
Other names: short protein forms S201L.
Identifiers: ClinVar variation 1370790 (VCV001370790.6), dbSNP rs866854462, ClinGen allele CA82513270.
Genomic context (GRCh38, chr3:128,813,400, plus strand): 5'-AGCTGTACAACGAATTTCCTGAACCTATCAAACTGGACAAGAATGACCGGGCCAAGGCCT[C>T]GGCAGAAAGCTGCAGTTGCTGAGGGGGCAGTGAGAGTTGAGCACAGAGTCCTTCACAAAC-3'
Protein context (NP_004628.4, residues 191-207): KLDKNDRAKA[Ser201Leu]AESCSC

ClinVar aggregate classification (germline): Uncertain significance (1 of 4 stars; one submission).

Conditions:
Charcot-Marie-Tooth disease type 2B (CMT2B). Also called: CHARCOT-MARIE-TOOTH DISEASE, AXONAL, TYPE 2B; Charcot-Marie-Tooth Neuropathy Type 2B; CHARCOT-MARIE-TOOTH DISEASE, AUTOSOMAL DOMINANT, TYPE 2B; HEREDITARY MOTOR AND SENSORY NEUROPATHY IIB. Identifiers: Orphanet 99936, MedGen C1833219, MONDO:0010949, OMIM 600882.

Allele frequency attached by ClinVar (database versions not stated): gnomAD exomes below 0.00001; gnomAD 0.00003; TOPMed 0.00003.

Submission:

Labcorp Genetics (formerly Invitae), Labcorp
Classification: Uncertain significance for Charcot-Marie-Tooth disease type 2B. Last evaluated: 2025-06-24. Review status: criteria provided, single submitter. Criteria: Invitae Variant Classification Sherloc (09022015). Collection method: clinical testing. Allele origin: germline.
Comment: This sequence change replaces serine, which is neutral and polar, with leucine, which is neutral and non-polar, at codon 201 of the RAB7A protein (p.Ser201Leu). This variant is present in population databases (no rsID available, gnomAD 0.004%). This variant has not been reported in the literature in individuals affected with RAB7A-related conditions. ClinVar contains an entry for this variant (Variation ID: 1370790). An algorithm developed to predict the effect of missense changes on protein structure and function (PolyPhen-2) suggests that this variant is likely to be tolerated. In summary, the available evidence is currently insufficient to determine the role of this variant in disease. Therefore, it has been classified as a Variant of Uncertain Significance.